The following is an entry in ClinVar:

ClinVar aggregate classification (germline): Uncertain significance (1 of 4 stars; one submission).

Submission:

CeGaT Center for Human Genetics Tuebingen
Classification: Uncertain significance. Last evaluated: 2023-06-01. Review status: criteria provided, single submitter. Criteria: CeGaT Center For Human Genetics Tuebingen Variant Classification Criteria Version 2. Collection method: clinical testing. Allele origin: germline. Affected: yes. Observed: 1 variant allele.
Comment: SEMA6B: PM2, PP2

NM_032108.4(SEMA6B):c.2642A>G (p.Asp881Gly)

Gene: SEMA6B (semaphorin 6B; minus strand). Cytogenetic location: 19p13.3.
Variant type: single nucleotide variant.
Coding change: c.2642A>G on transcript NM_032108.4 (MANE Select); coding-DNA position 2642, A replaced by G.
Protein change: p.Asp881Gly; replaces aspartic acid 881 with glycine.
Molecular consequence: missense variant.
Genome position (GRCh38, 1-based): chr19:4,543,626, T>C on the plus strand (A>G on the coding strand, the complement: SEMA6B is on the minus strand). VCF-style: chr19-4543626-T-C. GRCh37 (hg19) VCF-style: chr19-4543638-T-C.
Other names: short protein forms D881G.
Identifiers: ClinVar variation 2649065 (VCV002649065.24), dbSNP rs2512181608, ClinGen allele CA403459836.